The following is an entry in ClinVar:

NM_017654.4(SAMD9):c.3459G>A (p.Leu1153=)

Gene: SAMD9 (sterile alpha motif domain containing 9; minus strand). Cytogenetic location: 7q21.2.
Variant type: single nucleotide variant.
Coding change: c.3459G>A on transcript NM_017654.4 (MANE Select); coding-DNA position 3459, G replaced by A.
Protein change: p.Leu1153=; no amino-acid change (leucine 1153 retained).
Molecular consequence: synonymous variant.
Genome position (GRCh38, 1-based): chr7:93,102,639, C>T on the plus strand (G>A on the coding strand, the complement: SAMD9 is on the minus strand). VCF-style: chr7-93102639-C-T. GRCh37 (hg19) VCF-style: chr7-92731952-C-T.
Other names: c.3459G>A, p.Leu1153= (NM_001193307.2); c.3459G>A (NM_017654.3).
Identifiers: ClinVar variation 1905762 (VCV001905762.7), dbSNP rs535737843, ClinGen allele CA4342694.

ClinVar aggregate classification (germline): Likely benign. Review status: criteria provided, multiple submitters, no conflicts (2 of 4 stars). 3 submissions from 3 submitters: Likely benign (3). Last evaluated 2025-12-22.

Conditions:
Inborn genetic diseases. Identifiers: MedGen C0950123, MeSH D030342.
SAMD9-related disorder. Also called: SAMD9-related condition.

Allele frequency attached by ClinVar (database versions not stated): TOPMed below 0.00001; gnomAD 0.00003; gnomAD exomes 0.00005; ExAC 0.00011; 1000 Genomes Project 30x 0.00031; 1000 Genomes Project 0.00040.
gnomAD v4.1: 80 of 1,613,826 alleles (0.005%); highest among the groups gnomAD compares: South Asian, 0.081%; no homozygotes.

Submissions (3):

Labcorp Genetics (formerly Invitae), Labcorp
Classification: Likely benign. Last evaluated: 2025-12-22. Review status: criteria provided, single submitter. Criteria: Invitae Variant Classification Sherloc (09022015). Collection method: clinical testing. Allele origin: germline.

PreventionGenetics, part of Exact Sciences
Classification: Likely benign for SAMD9-related condition. Last evaluated: 2025-09-28. Review status: criteria provided, single submitter. Criteria: ACMG Guidelines, 2015. Collection method: clinical testing. Allele origin: germline.
Comment: This variant is classified as likely benign based on ACMG/AMP sequence variant interpretation guidelines (Richards et al. 2015 PMID: 25741868, with internal and published modifications).

Ambry Genetics
Classification: Likely benign for Inborn genetic diseases. Last evaluated: 2024-11-25. Review status: criteria provided, single submitter. Criteria: Ambry Variant Classification Scheme 2023. Collection method: clinical testing. Allele origin: germline.